The following is an entry in ClinVar:

NM_001032283.3(TMPO):c.565+1327T>C

Gene: TMPO (thymopoietin; plus strand). Cytogenetic location: 12q23.1.
Variant type: single nucleotide variant.
Coding change: c.565+1327T>C on transcript NM_001032283.3 (MANE Select); 1327 bases into the intron after coding-DNA position 565, T replaced by C.
Molecular consequence: intron variant. On other transcripts: missense variant (1).
Genome position (GRCh38, 1-based): chr12:98,533,165, T>C. VCF-style: chr12-98533165-T-C. GRCh37 (hg19) VCF-style: chr12-98926943-T-C.
Other names: c.908T>C, p.Met303Thr (NM_003276.2); c.565+1327T>C (NM_001307975.2, NM_001032284.3); short protein forms M303T.
Identifiers: ClinVar variation 951280 (VCV000951280.10), dbSNP rs1325196944, ClinGen allele CA386152070.
Genomic context (GRCh38, chr12:98,533,165, plus strand): 5'-GCCATGATAGGTGTTTAGAGAAAAGTTCTTCGTCATCTTCTCAGCCTGAACACAGTGCCA[T>C]GTTGGTCTCTACTGCAGCTTCTCCTTCACTGATTAAAGAAACCACCACTGGTTACTATAA-3'

ClinVar aggregate classification (germline): Uncertain significance (1 of 4 stars; one submission).

Conditions:
Loeys-Dietz syndrome 2 (LDS2). Also called: TGFBR2-Related Loeys-Dietz Syndrome; Marfan syndrome, type 2 (formerly); Marfan Syndrome type 2; Marfan like connective tissue disorder; MFS 2; AORTIC ANEURYSM, FAMILIAL THORACIC 3. Identifiers: Orphanet 284973, Orphanet 558, MedGen C2674574, MONDO:0012427, OMIM 610168.

Allele frequency attached by ClinVar (database versions not stated): gnomAD exomes below 0.00001 and 0.00001; gnomAD 0.00001; TOPMed 0.00001.
gnomAD v4.1: 12 of 1,614,012 alleles (0.00074%); highest among the groups gnomAD compares: Non-Finnish European, 0.001%; no homozygotes.

Submission:

Labcorp Genetics (formerly Invitae), Labcorp
Classification: Uncertain significance for Loeys-Dietz syndrome 2. Last evaluated: 2019-07-06. Review status: criteria provided, single submitter. Criteria: Invitae Variant Classification Sherloc (09022015). Collection method: clinical testing. Allele origin: germline.
Comment: This sequence change replaces methionine with threonine at codon 303 of the TMPO protein (p.Met303Thr). The methionine residue is weakly conserved and there is a moderate physicochemical difference between methionine and threonine. This variant is not present in population databases (ExAC no frequency). This variant has not been reported in the literature in individuals with TMPO-related conditions. Algorithms developed to predict the effect of missense changes on protein structure and function output the following: SIFT: "Tolerated"; PolyPhen-2: "Benign"; Align-GVGD: "Class C0". The threonine amino acid residue is found in multiple mammalian species, suggesting that this missense change does not adversely affect protein function. These predictions have not been confirmed by published functional studies and their clinical significance is uncertain. In summary, the available evidence is currently insufficient to determine the role of this variant in disease. Therefore, it has been classified as a Variant of Uncertain Significance.